The following is an entry in ClinVar:

ClinVar aggregate classification (germline): Uncertain significance. Review status: criteria provided, multiple submitters, no conflicts (2 of 4 stars). 2 submissions from 2 submitters: Uncertain significance (2). Last evaluated 2026-01-14.

Submissions (2):

Labcorp Genetics (formerly Invitae), Labcorp
Classification: Uncertain significance. Last evaluated: 2026-01-14. Review status: criteria provided, single submitter. Criteria: Invitae Variant Classification Sherloc (09022015). Collection method: clinical testing. Allele origin: germline.
Comment: This variant occurs in a non-coding region of the PGAP3 gene. It does not change the encoded amino acid sequence of the PGAP3 protein. Information on the frequency of this variant in the gnomAD database is not available, as this variant may be reported differently in the database. This variant has been observed in individual(s) with clinical features of PGAP3-congenital disorder of glycosylation (PMID: 27120253). It has also been observed to segregate with disease in related individuals. This variant is also known as c.*559C>T. ClinVar contains an entry for this variant (Variation ID: 1472169). Studies have shown that this variant alters PGAP3 gene expression (PMID: 27120253). In summary, the available evidence is currently insufficient to determine the role of this variant in disease. Therefore, it has been classified as a Variant of Uncertain Significance.

Women's Health and Genetics/Laboratory Corporation of America, LabCorp
Classification: Uncertain significance. Last evaluated: 2025-07-18. Review status: criteria provided, single submitter. Criteria: LabCorp Variant Classification Summary - May 2015. Collection method: clinical testing. Allele origin: germline.
Comment: Variant summary: PGAP3 c.*559_*560delinsTG is located in the untranslated mRNA region downstream of the termination codon. The observed frequencies for each component of this variant (c.*559C>T and c.*560A>G) both exceed the estimated maximal expected allele frequency for a pathogenic variant in PGAP3 causing Hyperphosphatasia With Intellectual Disability Syndrome 4 phenotype. However it is not possible to determine the frequency at which these variant components are found in cis within the gnomAD dataset. Therefore, the available data on variant occurrences in the general population are insufficient to allow any conclusion about variant significance. A component of this variant (c.*559C>T) has been observed in at least two compound heterozygous siblings affected with glycosylphosphatidylinositol anchor deficiency who carried a pathogenic variant in trans (e.g. Knaus_2016). These report(s) do not provide unequivocal conclusions about association of the variant with Hyperphosphatasia With Intellectual Disability Syndrome 4. One publication reports experimental evidence, showing the variant results in reduced transcriptional expression, however, does not allow convincing conclusions about the variant effect (e.g. Knaus_2016). The following publication has been ascertained in the context of this evaluation (PMID: 27120253). ClinVar contains an entry for this variant (Variation ID: 1472169). Based on the evidence outlined above, the variant was classified as uncertain significance.

Literature cited by the submitters: PubMed 27120253 (cited by Labcorp Genetics (formerly Invitae), Labcorp and Women's Health and Genetics/Laboratory Corporation of America, LabCorp).

NM_033419.5(PGAP3):c.*559_*560inv

Gene: PGAP3 (post-GPI attachment to proteins phospholipase 3; minus strand). Cytogenetic location: 17q12.
Variant type: Inversion.
Coding change: c.*559_*560inv on transcript NM_033419.5 (MANE Select).
Molecular consequence: 3 prime UTR variant.
Genome position: GRCh38 VCF-style: chr17-39672243-TG-CA. GRCh37 (hg19) VCF-style: chr17-37828496-TG-CA.
Other names: c.*559_*560inv (NM_001291726.2, NM_001291728.2, NM_001291730.2 and 1 more transcripts); c.*608_*609inv (NM_001291733.2); c.*559_*560delinsTG (NM_033419.5).
Identifiers: ClinVar variation 1472169 (VCV001472169.5), ClinGen allele CA2573153699.